The following is an entry in ClinVar:

NM_015272.5(RPGRIP1L):c.230+829C>G

Gene: RPGRIP1L (RPGRIP1 like; minus strand). Cytogenetic location: 16q12.2.
Variant type: single nucleotide variant.
Coding change: c.230+829C>G on transcript NM_015272.5 (MANE Select); 829 bases into the intron after coding-DNA position 230, C replaced by G.
Molecular consequence: intron variant. On other transcripts: missense variant (1).
Genome position (GRCh38, 1-based): chr16:53,695,322, G>C on the plus strand (C>G on the coding strand, the complement: RPGRIP1L is on the minus strand). VCF-style: chr16-53695322-G-C. GRCh37 (hg19) VCF-style: chr16-53729234-G-C.
Other names: c.367C>G, p.Leu123Val (NM_001328422.2); c.230+829C>G (NM_001127897.4, NM_001330538.2, NM_001308334.3); short protein forms L123V.
Identifiers: ClinVar variation 4999515 (VCV004999515.1).

ClinVar aggregate classification (germline): Uncertain significance (1 of 4 stars; one submission).

Conditions:
RPGRIP1L-related disorder. Also called: RPGRIP1L-related disorders; RPGRIP1L-related condition. Identifiers: MedGen CN239416.

gnomAD v4.1: 3 of 701,916 alleles (0.00043%); highest among the groups gnomAD compares: African/African-American, 0.0035%; no homozygotes.

Submission:

PreventionGenetics, part of Exact Sciences
Classification: Uncertain significance for RPGRIP1L-related condition. Last evaluated: 2025-05-14. Review status: criteria provided, single submitter. Criteria: ACMG Guidelines, 2015. Collection method: clinical testing. Allele origin: germline.
Comment: The RPGRIP1L c.367C>G variant is predicted to result in the amino acid substitution p.Leu123Val. To our knowledge, this variant has not been reported in the literature or in a large population database (gnomAD), indicating this variant is rare. At this time, the clinical significance of this variant is uncertain due to the absence of conclusive functional and genetic evidence.